The following is an entry in ClinVar:

ClinVar aggregate classification (germline): Pathogenic/Likely pathogenic. Review status: criteria provided, multiple submitters, no conflicts (2 of 4 stars). 10 submissions from 10 submitters: Pathogenic (2); Likely pathogenic (7). 1 of the submissions does not count toward it. Last evaluated 2026-01-04.

Conditions:
Hereditary cancer-predisposing syndrome. Also called: Neoplastic Syndromes, Hereditary; Tumor predisposition; Hereditary Cancer Syndrome; Hereditary neoplastic syndrome. Identifiers: Orphanet 140162, MedGen C0027672, MeSH D009386, MONDO:0015356.
Familial adenomatous polyposis 2. Also called: Adenomas, multiple colorectal; COLORECTAL ADENOMATOUS POLYPOSIS, AUTOSOMAL RECESSIVE; ADENOMAS, MULTIPLE COLORECTAL, AUTOSOMAL RECESSIVE; MYH-associated polyposis; MUTYH Polyposis; FAP type 2. Identifiers: Orphanet 220460, Orphanet 247798, MedGen C3272841, MONDO:0012041, OMIM 608456.

Allele frequency attached by ClinVar (database versions not stated): gnomAD 0.00001; TOPMed 0.00001; gnomAD exomes 0.00002 and 0.00005; ExAC 0.00006.

Submissions (10):

Labcorp Genetics (formerly Invitae), Labcorp
Classification: Pathogenic for Familial adenomatous polyposis 2. Last evaluated: 2026-01-04. Review status: criteria provided, single submitter. Criteria: Invitae Variant Classification Sherloc (09022015). Collection method: clinical testing. Allele origin: germline.
Comment: This sequence change replaces valine, which is neutral and non-polar, with methionine, which is neutral and non-polar, at codon 215 of the MUTYH protein (p.Val215Met). This variant is present in population databases (rs776487884, gnomAD 0.03%). This missense change has been observed in individual(s) with MUTYH-associated polyposis syndrome (PMID: 19032956, 19732775, 20618354; externalcommunication, internal data). In at least one individual the data is consistent with being in trans (on the opposite chromosome) from a pathogenic variant. ClinVar contains an entry for this variant (Variation ID: 184952). An algorithm developed to predict the effect of missense changes on protein structure and function (PolyPhen-2) suggests that this variant is likely to be disruptive. For these reasons, this variant has been classified as Pathogenic.

Color Diagnostics, LLC DBA Color Health
Classification: Likely pathogenic for Hereditary cancer-predisposing syndrome. Last evaluated: 2025-10-06. Review status: criteria provided, single submitter. Criteria: ACMG Guidelines, 2015. Collection method: clinical testing. Allele origin: germline.
Comment: This missense variant replaces valine with methionine at codon 215 of the MUTYH protein. Computational prediction suggests that this variant may have deleterious impact on protein structure and function. To our knowledge, functional studies have not been reported for this variant. This variant has been reported in an individual affected with colorectal cancer with more than 100 colorectal polyps and a pathogenic MUTYH co-variant c.884C>T (p.Pro295Leu)(PMID: 20618354). This variant has also been identified in the compound heterozygous state in an individual affected with multiple adenomatous polyps and in the homozygous state in an individual affected with colon cancer and colorectal polyps (communication with an external laboratoryClinVar SCV000214928.5). This variant has been identified in 12/251426 chromosomes in the general population by the Genome Aggregation Database (gnomAD). Based on the available evidence, this variant is classified as Likely Pathogenic.

Ambry Genetics
Classification: Likely pathogenic for Hereditary cancer-predisposing syndrome. Last evaluated: 2025-08-26. Review status: criteria provided, single submitter. Criteria: Ambry Variant Classification Scheme 2023. Collection method: clinical testing. Allele origin: germline.
Comment: The p.V215M variant (also known as c.643G>A), located in coding exon 8 of the MUTYH gene, results from a G to A substitution at nucleotide position 643. The valine at codon 215 is replaced by methionine, an amino acid with highly similar properties. This variant has been detected in both a homozygous state and in conjunction with a likely pathogenic variant in MUTYH in individuals with polyposis (Ambry internal data). This amino acid position is highly conserved in available vertebrate species. In addition, this alteration is predicted to be deleterious by in silico analysis. Based on the majority of available evidence to date, this variant is likely to be pathogenic.

Myriad Genetics, Inc.
Classification: Likely pathogenic for Familial adenomatous polyposis 2. Last evaluated: 2025-03-24. Review status: criteria provided, single submitter. Criteria: Myriad Autosomal Dominant, Autosomal Recessive and X-Linked Classification Criteria (2023). Collection method: clinical testing. Allele origin: unknown.
Comment: This variant is considered likely pathogenic. This variant has been reported in multiple individuals with clinical features of gene-specific disease [PMID: 20618354, Myriad internal data; personal communications 2025]. This variant is expected to disrupt protein structure [Myriad internal data].

Revvity Omics, Revvity
Classification: Likely pathogenic for Familial adenomatous polyposis 2. Last evaluated: 2024-12-19. Review status: criteria provided, single submitter. Criteria: ACMG Guidelines, 2015. Collection method: clinical testing. Allele origin: germline.

Baylor Genetics
Classification: Likely pathogenic for Familial adenomatous polyposis 2. Last evaluated: 2023-12-28. Review status: criteria provided, single submitter. Criteria: ACMG Guidelines, 2015. Collection method: clinical testing. Allele origin: unknown.

All of Us Research Program, National Institutes of Health
Classification: Likely pathogenic for Familial adenomatous polyposis 2. Last evaluated: 2023-09-17. Review status: criteria provided, single submitter. Criteria: ACMG Guidelines, 2015. Collection method: clinical testing. Allele origin: germline. Inheritance: Autosomal recessive inheritance. Observed: 4 variant alleles, 4 heterozygotes.
Comment: This missense variant replaces valine with methionine at codon 215 of the MUTYH protein. Computational prediction suggests that this variant may have deleterious impact on protein structure and function (internally defined REVEL score threshold >= 0.7, PMID: 27666373). To our knowledge, functional studies have not been reported for this variant. This variant has been reported in an individual affected with colorectal cancer with more than 100 colorectal polyps and a pathogenic MUTYH co-variant c.884C>T (p.Pro295Leu)(PMID: 20618354). This variant has also been identified in the compound heterozygous state in an individual affected with multiple adenomatous polyps and in the homozygous state in an individual affected with colon cancer and colorectal polyps (communication with an external laboratory; ClinVar SCV000214928.5). This variant has been identified in 12/251426 chromosomes in the general population by the Genome Aggregation Database (gnomAD). Based on the available evidence, this variant is classified as Likely Pathogenic.

This study involves interpretation of variants in research participants for the purpose of population health screening. Participant phenotype was not available at the time of variant classification. Additional details can be found in publication PMID: 35346344, PMCID: PMC8962531

GeneDx
Classification: Likely pathogenic. Last evaluated: 2023-08-02. Review status: criteria provided, single submitter. Criteria: GeneDx Variant Classification Process June 2021. Collection method: clinical testing. Allele origin: germline. Affected: yes.
Comment: In silico analysis supports that this missense variant has a deleterious effect on protein structure/function; This variant is associated with the following publications: (PMID: 19032956, 27014339, 19394335, 24834277, 28577310, 34426522, 19732775, 20618354)

Quest Diagnostics Nichols Institute San Juan Capistrano
Classification: Pathogenic. Last evaluated: 2022-10-18. Review status: criteria provided, single submitter. Criteria: Quest Diagnostics criteria. Collection method: clinical testing. Allele origin: unknown.
Comment: The frequency of this variant in the general population, 0.00029 (9/30616 chromosomes), is uninformative in assessment of its pathogenicity. In the published literature, the variant has been reported in individuals with MUTYH associated polyposis co-occurring with an additional pathogenic MUTYH variant (PMID: 19032956 (2009), 19394335 (2009)). In a large breast cancer association study, the variant was reported in affected and unaffected individuals (PMID: 33471991 (2021)). Analysis of this variant using bioinformatics tools for the prediction of the effect of amino acid changes on protein structure and function yielded predictions that this variant is damaging. Based on the available information, this variant is classified as likely pathogenic.

Department of Pathology and Laboratory Medicine, Sinai Health System
Classification: Pathogenic. Review status: no assertion criteria provided. Collection method: clinical testing. Allele origin: unknown. Affected: yes. Observed: 1 variant allele. Study: The Canadian Open Genetics Repository (COGR). Not counted in ClinVar's aggregate classification.

Literature cited by the submitters: PubMed 19032956 (cited by 3 submitters); PubMed 19732775 (cited by 3 submitters); PubMed 20618354 (cited by 6 submitters); PubMed 19394335 (cited by Ambry Genetics and Quest Diagnostics Nichols Institute San Juan Capistrano); PubMed 28577310 (cited by Ambry Genetics and Quest Diagnostics Nichols Institute San Juan Capistrano); PubMed 33471991 (cited by Quest Diagnostics Nichols Institute San Juan Capistrano).

NM_001048174.2(MUTYH):c.559G>A (p.Val187Met)

Gene: MUTYH (mutY DNA glycosylase; minus strand). Cytogenetic location: 1p34.1.
Variant type: single nucleotide variant.
Coding change: c.559G>A on transcript NM_001048174.2 (MANE Select); coding-DNA position 559, G replaced by A.
Protein change: p.Val187Met; replaces valine 187 with methionine.
Molecular consequence: missense variant. On other transcripts: non-coding transcript variant (2).
Genome position (GRCh38, 1-based): chr1:45,332,621, C>T on the plus strand (G>A on the coding strand, the complement: MUTYH is on the minus strand). VCF-style: chr1-45332621-C-T. GRCh37 (hg19) VCF-style: chr1-45798293-C-T.
Other names: c.559G>A, p.Val187Met (NM_001048171.2, NM_001048173.2, NM_001293195.2); c.562G>A, p.Val188Met (NM_001048172.2); c.643G>A, p.Val215Met (NM_001128425.2); c.604G>A, p.Val202Met (NM_001293190.2); c.592G>A, p.Val198Met (NM_001293191.2); c.283G>A, p.Val95Met (NM_001293192.2, NM_001293196.2); c.214G>A, p.Val72Met (NM_001350650.2, NM_001350651.2); c.634G>A, p.Val212Met (NM_012222.3); short protein forms V215M, V188M, V202M, V72M, V198M, V212M, V95M, V187M.
Identifiers: ClinVar variation 184952 (VCV000184952.33), dbSNP rs776487884, ClinGen allele CA014022.